The following is an entry in ClinVar:

NM_001037.5(SCN1B):c.569A>T (p.Glu190Val)

Gene: SCN1B (sodium voltage-gated channel beta subunit 1; plus strand). Cytogenetic location: 19q13.11.
Variant type: single nucleotide variant.
Coding change: c.569A>T on transcript NM_001037.5 (MANE Select); coding-DNA position 569, A replaced by T.
Protein change: p.Glu190Val; replaces glutamic acid 190 with valine.
Molecular consequence: missense variant.
Genome position (GRCh38, 1-based): chr19:35,039,237, A>T. VCF-style: chr19-35039237-A-T. GRCh37 (hg19) VCF-style: chr19-35530141-A-T.
Other names: c.470A>T, p.Glu157Val (NM_001321605.2); short protein forms E190V, E157V.
Identifiers: ClinVar variation 1749122 (VCV001749122.3), dbSNP rs2514241087, ClinGen allele CA405330152.

ClinVar aggregate classification (germline): Uncertain significance. Review status: criteria provided, multiple submitters, no conflicts (2 of 4 stars). 2 submissions from 2 submitters: Uncertain significance (2). Last evaluated 2026-01-09.

Conditions:
Cardiovascular phenotype. Identifiers: MedGen CN230736.
Brugada syndrome 5 (BRGDA5). Identifiers: Orphanet 130, Orphanet 871, MedGen C2748541, MONDO:0013015, OMIM 612838.

Submissions (2):

Labcorp Genetics (formerly Invitae), Labcorp
Classification: Uncertain significance for Brugada syndrome 5. Last evaluated: 2026-01-09. Review status: criteria provided, single submitter. Criteria: Invitae Variant Classification Sherloc (09022015). Collection method: clinical testing. Allele origin: germline.
Comment: The SCN1B gene has multiple clinically relevant transcripts. This variant occurs in alternate transcript NM_001037.5, and corresponds to NM_199037.3:c.*5139A>T in the primary transcript. This sequence change replaces glutamic acid, which is acidic and polar, with valine, which is neutral and non-polar, at codon 190 of the SCN1B protein (p.Glu190Val). This variant is not present in population databases (gnomAD no frequency). This variant has not been reported in the literature in individuals affected with SCN1B-related conditions. Experimental studies and prediction algorithms are not available or were not evaluated, and the functional significance of this variant is currently unknown. In summary, the available evidence is currently insufficient to determine the role of this variant in disease. Therefore, it has been classified as a Variant of Uncertain Significance.

Ambry Genetics
Classification: Uncertain significance for Cardiovascular phenotype. Last evaluated: 2020-03-05. Review status: criteria provided, single submitter. Criteria: Ambry Variant Classification Scheme 2023. Collection method: clinical testing. Allele origin: germline.
Comment: The p.E190V variant (also known as c.569A>T), located in coding exon 4 of the SCN1B gene, results from an A to T substitution at nucleotide position 569. The glutamic acid at codon 190 is replaced by valine, an amino acid with dissimilar properties. This amino acid position is highly conserved in available vertebrate species. In addition, this alteration is predicted to be deleterious by in silico analysis. Since supporting evidence is limited at this time, the clinical significance of this alteration remains unclear.